The following is an entry in ClinVar:

NM_198253.3(TERT):c.1823A>T (p.Gln608Leu)

Gene: TERT (telomerase reverse transcriptase; minus strand). Cytogenetic location: 5p15.33.
Variant type: single nucleotide variant.
Coding change: c.1823A>T on transcript NM_198253.3 (MANE Select); coding-DNA position 1823, A replaced by T.
Protein change: p.Gln608Leu; replaces glutamine 608 with leucine.
Molecular consequence: missense variant. On other transcripts: non-coding transcript variant (2).
Genome position (GRCh38, 1-based): chr5:1,280,285, T>A on the plus strand (A>T on the coding strand, the complement: TERT is on the minus strand). VCF-style: chr5-1280285-T-A. GRCh37 (hg19) VCF-style: chr5-1280400-T-A.
Other names: c.1823A>T, p.Gln608Leu (NM_001193376.3, NM_003219.1); short protein forms Q608L.
Identifiers: ClinVar variation 2945661 (VCV002945661.3), dbSNP rs2478285712, ClinGen allele CA359081914.

ClinVar aggregate classification (germline): Uncertain significance (1 of 4 stars; one submission).

Conditions:
Dyskeratosis congenita, autosomal dominant 2. Identifiers: MedGen C3151443, MONDO:0013521, OMIM 613989.
Idiopathic Pulmonary Fibrosis. Also called: Idiopathic fibrosing alveolitis, chronic form; idiopathic fibrosing alveolitis. Identifiers: Orphanet 2032, MedGen C1800706, MeSH D054990, MONDO:0800504.

Submission:

Labcorp Genetics (formerly Invitae), Labcorp
Classification: Uncertain significance for Dyskeratosis congenita, autosomal dominant 2; Idiopathic Pulmonary Fibrosis. Last evaluated: 2023-03-22. Review status: criteria provided, single submitter. Criteria: Invitae Variant Classification Sherloc (09022015). Collection method: clinical testing. Allele origin: germline.
Comment: This sequence change replaces glutamine, which is neutral and polar, with leucine, which is neutral and non-polar, at codon 608 of the TERT protein (p.Gln608Leu). This variant is not present in population databases (gnomAD no frequency). This variant has not been reported in the literature in individuals affected with TERT-related conditions. Algorithms developed to predict the effect of missense changes on protein structure and function output the following: SIFT: "Not Available"; PolyPhen-2: "Benign"; Align-GVGD: "Not Available". The leucine amino acid residue is found in multiple mammalian species, which suggests that this missense change does not adversely affect protein function. In summary, the available evidence is currently insufficient to determine the role of this variant in disease. Therefore, it has been classified as a Variant of Uncertain Significance.